The following is an entry in ClinVar:

ClinVar aggregate classification (germline): Uncertain significance (1 of 4 stars; one submission).

Submission:

Labcorp Genetics (formerly Invitae), Labcorp
Classification: Uncertain significance. Last evaluated: 2022-07-19. Review status: criteria provided, single submitter. Criteria: Invitae Variant Classification Sherloc (09022015). Collection method: clinical testing. Allele origin: germline.
Comment: Algorithms developed to predict the effect of missense changes on protein structure and function are either unavailable or do not agree on the potential impact of this missense change (SIFT: "Not Available"; PolyPhen-2: "Benign"; Align-GVGD: "Not Available"). In summary, the available evidence is currently insufficient to determine the role of this variant in disease. Therefore, it has been classified as a Variant of Uncertain Significance. This variant has not been reported in the literature in individuals affected with BGN-related conditions. This variant is not present in population databases (gnomAD no frequency). This sequence change replaces asparagine, which is neutral and polar, with aspartic acid, which is acidic and polar, at codon 311 of the BGN protein (p.Asn311Asp).

NM_001711.6(BGN):c.931A>G (p.Asn311Asp)

Gene: BGN (biglycan; plus strand). Cytogenetic location: Xq28.
Variant type: single nucleotide variant.
Coding change: c.931A>G on transcript NM_001711.6 (MANE Select); coding-DNA position 931, A replaced by G.
Protein change: p.Asn311Asp; replaces asparagine 311 with aspartic acid.
Molecular consequence: missense variant.
Genome position (GRCh38, 1-based): chrX:153,508,269, A>G. VCF-style: chrX-153508269-A-G. GRCh37 (hg19) VCF-style: chrX-152773727-A-G.
Other names: short protein forms N311D.
Identifiers: ClinVar variation 1718925 (VCV001718925.5), dbSNP rs2521228130, ClinGen allele CA415071666.